The following is an entry in ClinVar:

ClinVar aggregate classification (germline): Uncertain significance (1 of 4 stars; one submission).

Conditions:
Type A2 brachydactyly (BDA2). Also called: Brachymesophalangy type 2; MOHR-WRIEDT TYPE BRACHYDACTYLY; BRACHYMESOPHALANGY II. Identifiers: Orphanet 93396, MedGen C1832702, MONDO:0007216, OMIM 112600, HP:0009372.
Acromesomelic dysplasia 3 (AMD3). Also called: CHONDRODYSPLASIA, ACROMESOMELIC, WITH OR WITHOUT GENITAL ANOMALIES; Acromesomelic dysplasia, Demirhan type. Identifiers: MedGen C4225404, MONDO:0012274, OMIM 609441.

Allele frequency attached by ClinVar (database versions not stated): TOPMed below 0.00001; ExAC 0.00001; gnomAD 0.00001; gnomAD exomes 0.00001.
gnomAD v4.1: 13 of 1,613,870 alleles (0.00081%); highest among the groups gnomAD compares: Non-Finnish European, 0.001%; no homozygotes.

Submission:

Labcorp Genetics (formerly Invitae), Labcorp
Classification: Uncertain significance for Type A2 brachydactyly; Acromesomelic dysplasia 3. Last evaluated: 2022-05-11. Review status: criteria provided, single submitter. Criteria: Invitae Variant Classification Sherloc (09022015). Collection method: clinical testing. Allele origin: germline.
Comment: In summary, the available evidence is currently insufficient to determine the role of this variant in disease. Therefore, it has been classified as a Variant of Uncertain Significance. Advanced modeling of protein sequence and biophysical properties (such as structural, functional, and spatial information, amino acid conservation, physicochemical variation, residue mobility, and thermodynamic stability) performed at Invitae indicates that this missense variant is expected to disrupt BMPR1B protein function. This variant has not been reported in the literature in individuals affected with BMPR1B-related conditions. This variant is present in population databases (rs780171269, gnomAD 0.002%). This sequence change replaces arginine, which is basic and polar, with threonine, which is neutral and polar, at codon 413 of the BMPR1B protein (p.Arg413Thr).

NM_001203.3(BMPR1B):c.1238G>C (p.Arg413Thr)

Gene: BMPR1B (bone morphogenetic protein receptor type 1B; plus strand). Cytogenetic location: 4q22.3.
Variant type: single nucleotide variant.
Coding change: c.1238G>C on transcript NM_001203.3 (MANE Select); coding-DNA position 1238, G replaced by C.
Protein change: p.Arg413Thr; replaces arginine 413 with threonine.
Molecular consequence: missense variant.
Genome position (GRCh38, 1-based): chr4:95,148,909, G>C. VCF-style: chr4-95148909-G-C. GRCh37 (hg19) VCF-style: chr4-96070060-G-C.
Other names: c.1238G>C, p.Arg413Thr (NM_001256792.2, NM_001256794.1); c.1328G>C, p.Arg443Thr (NM_001256793.2); short protein forms R443T, R413T.
Identifiers: ClinVar variation 2193170 (VCV002193170.4), dbSNP rs780171269, ClinGen allele CA3015202.